The following is an entry in ClinVar:

ClinVar aggregate classification (germline): Likely benign. Review status: criteria provided, multiple submitters, no conflicts (2 of 4 stars). 3 submissions from 3 submitters: Likely benign (2). 1 of the submissions does not count toward it. Last evaluated 2025-09-09.

Conditions:
WDPCP-related disorder. Also called: WDPCP-related condition.
Bardet-Biedl syndrome (BBS). Identifiers: Orphanet 110, MedGen C0752166, MONDO:0015229.

Allele frequency attached by ClinVar (database versions not stated): gnomAD 0.00004; ExAC 0.00008; TOPMed 0.00014; 1000 Genomes Project 30x 0.00016.
gnomAD v4.1: 43 of 1,572,040 alleles (0.0027%); highest among the groups gnomAD compares: Admixed American, 0.074%; no homozygotes.

Submissions (3):

Labcorp Genetics (formerly Invitae), Labcorp
Classification: Likely benign for Bardet-Biedl syndrome. Last evaluated: 2025-09-09. Review status: criteria provided, single submitter. Criteria: Invitae Variant Classification Sherloc (09022015). Collection method: clinical testing. Allele origin: germline.

Blueprint Genetics
Classification: Likely benign. Last evaluated: 2021-12-08. Review status: criteria provided, single submitter. Criteria: ACMG Guidelines, 2015. Collection method: clinical testing. Allele origin: germline.

PreventionGenetics, part of Exact Sciences
Classification: Likely benign for WDPCP-related condition. Last evaluated: 2020-02-20. Review status: no assertion criteria provided. Collection method: clinical testing. Allele origin: germline. Not counted in ClinVar's aggregate classification.
Comment: This variant is classified as likely benign based on ACMG/AMP sequence variant interpretation guidelines (Richards et al. 2015 PMID: 25741868, with internal and published modifications).

NM_015910.7(WDPCP):c.60C>A (p.Ser20=)

Gene: WDPCP (WD repeat containing planar cell polarity effector; minus strand). Cytogenetic location: 2p15.
Variant type: single nucleotide variant.
Coding change: c.60C>A on transcript NM_015910.7 (MANE Select); coding-DNA position 60, C replaced by A.
Protein change: p.Ser20=; no amino-acid change (serine 20 retained).
Molecular consequence: synonymous variant. On other transcripts: 5 prime UTR variant (1), non-coding transcript variant (2).
Genome position (GRCh38, 1-based): chr2:63,588,212, G>T on the plus strand (C>A on the coding strand, the complement: WDPCP is on the minus strand). VCF-style: chr2-63588212-G-T. GRCh37 (hg19) VCF-style: chr2-63815346-G-T.
Other names: c.-265C>A (NM_001354044.2); c.60C>A, p.Ser20= (NM_001354045.2).
Identifiers: ClinVar variation 701369 (VCV000701369.14), dbSNP rs757553495, ClinGen allele CA1682653.